The following is an entry in ClinVar:

ClinVar aggregate classification (germline): Uncertain significance (1 of 4 stars; one submission).

Conditions:
Charcot-Marie-Tooth disease type 2. Also called: Charcot-Marie-Tooth type 2. Identifiers: Orphanet 64746, MedGen C0270914, MONDO:0018993.

Submission:

Labcorp Genetics (formerly Invitae), Labcorp
Classification: Uncertain significance for Charcot-Marie-Tooth disease type 2. Last evaluated: 2022-10-18. Review status: criteria provided, single submitter. Criteria: Invitae Variant Classification Sherloc (09022015). Collection method: clinical testing. Allele origin: germline.
Comment: This sequence change replaces valine, which is neutral and non-polar, with leucine, which is neutral and non-polar, at codon 620 of the MFN2 protein (p.Val620Leu). This variant is present in population databases (rs200936779, gnomAD 0.0009%). This variant has not been reported in the literature in individuals affected with MFN2-related conditions. Algorithms developed to predict the effect of missense changes on protein structure and function (SIFT, PolyPhen-2, Align-GVGD) all suggest that this variant is likely to be tolerated. In summary, the available evidence is currently insufficient to determine the role of this variant in disease. Therefore, it has been classified as a Variant of Uncertain Significance.

NM_014874.4(MFN2):c.1858G>C (p.Val620Leu)

Gene: MFN2 (mitofusin 2; plus strand). Cytogenetic location: 1p36.22.
Variant type: single nucleotide variant.
Coding change: c.1858G>C on transcript NM_014874.4 (MANE Select); coding-DNA position 1858, G replaced by C.
Protein change: p.Val620Leu; replaces valine 620 with leucine.
Molecular consequence: missense variant.
Genome position (GRCh38, 1-based): chr1:12,006,679, G>C. VCF-style: chr1-12006679-G-C. GRCh37 (hg19) VCF-style: chr1-12066736-G-C.
Other names: c.1858G>C, p.Val620Leu (NM_001127660.2); short protein forms V620L.
Identifiers: ClinVar variation 2196475 (VCV002196475.4), dbSNP rs200936779, ClinGen allele CA18013070.